The following is an entry in ClinVar:

NM_001330078.2(NRXN1):c.2225_2228dup (p.Leu744fs)

Gene: NRXN1 (neurexin 1; minus strand). Cytogenetic location: 2p16.3.
Variant type: Duplication.
Coding change: c.2225_2228dup on transcript NM_001330078.2 (MANE Select); coding-DNA positions 2225 to 2228, 4 bases duplicated (TTTC; older notation c.2225_2228dupTTTC).
Protein change: p.Leu744fs; shifts the reading frame from leucine 744.
Molecular consequence: frameshift variant.
Genome position (GRCh38, 1-based): chr2:50,531,346-50,531,349, GAAA duplicated on the plus strand (TTTC on the coding strand, the reverse complement: NRXN1 is on the minus strand). VCF-style (leftmost placement, unchanged base first): chr2-50531345-G-GGAAA. GRCh37 (hg19) VCF-style: chr2-50758483-G-GGAAA.
Other names: c.2345_2348dup, p.Leu784fs (NM_001135659.3); c.2201_2204dup, p.Leu736fs (NM_001330077.2, NM_001330082.2, NM_001330095.2); c.2186_2189dup, p.Leu731fs (NM_001330083.2, NM_001330084.2); c.2225_2228dup, p.Leu744fs (NM_001330085.2, NM_001330086.2, NM_004801.6); c.2141_2144dup, p.Leu716fs (NM_001330087.2, NM_001330096.2); c.2171_2174dup, p.Leu726fs (NM_001330088.2); c.2222_2225dup, p.Leu743fs (NM_001330093.2); c.2213_2216dup, p.Leu740fs (NM_001330094.2); short protein forms L731fs, L736fs, L743fs, L716fs, L740fs, L744fs, L726fs, L784fs.
Identifiers: ClinVar variation 2854717 (VCV002854717.3), dbSNP rs2465581520, ClinGen allele CA2739274404.
Genomic context (GRCh38, chr2:50,531,345, plus strand): 5'-AGAGTCTCTAGAAGTGGTTGCCATCAGAATGCCATATGCACGCTGGGATCGGAACCGTAA[G>GGAAA]GAAACATCCTCAGCCTCCGTATGCATGACTACGGGGAGCTGAATTTTCATAAACATGCTC-3'

ClinVar aggregate classification (germline): Pathogenic (1 of 4 stars; one submission).

Conditions:
Pitt-Hopkins-like syndrome 2 (PTHSL2). Identifiers: Orphanet 221150, Orphanet 600663, MedGen C3280479, MONDO:0013690, OMIM 614325.

Submission:

Labcorp Genetics (formerly Invitae), Labcorp
Classification: Pathogenic for Pitt-Hopkins-like syndrome 2. Last evaluated: 2023-04-16. Review status: criteria provided, single submitter. Criteria: Invitae Variant Classification Sherloc (09022015). Collection method: clinical testing. Allele origin: germline.
Comment: For these reasons, this variant has been classified as Pathogenic. This variant has not been reported in the literature in individuals affected with NRXN1-related conditions. This variant is not present in population databases (gnomAD no frequency). This sequence change creates a premature translational stop signal (p.Leu784Phefs*19) in the NRXN1 gene. It is expected to result in an absent or disrupted protein product. Loss-of-function variants in NRXN1 are known to be pathogenic (PMID: 19896112, 21964664, 23495017, 23533028, 25149956, 30031152).

Literature cited by the submitters: PubMed 19896112; PubMed 21964664; PubMed 23495017; PubMed 23533028; PubMed 25149956; PubMed 30031152.